The following is an entry in ClinVar:

ClinVar aggregate classification (germline): Pathogenic (1 of 4 stars; one submission).

Conditions:
SPTB-related disorder. Also called: SPTB-Related Disorders; SPTB-related condition.

Submission:

PreventionGenetics, part of Exact Sciences
Classification: Pathogenic for SPTB-related condition. Last evaluated: 2025-08-18. Review status: criteria provided, single submitter. Criteria: ACMG Guidelines, 2015. Collection method: clinical testing. Allele origin: germline.
Comment: The SPTB c.1552C>T variant is predicted to result in premature protein termination (p.Gln518*). To our knowledge, this variant has not been reported in the literature or in a large population database (gnomAD), indicating this variant is rare. Nonsense variants in SPTB are expected to be pathogenic. This variant is interpreted as pathogenic.

NM_001355436.2(SPTB):c.1552C>T (p.Gln518Ter)

Gene: SPTB (spectrin beta, erythrocytic; minus strand). Cytogenetic location: 14q23.3.
Variant type: single nucleotide variant.
Coding change: c.1552C>T on transcript NM_001355436.2 (MANE Select); coding-DNA position 1552, C replaced by T.
Protein change: p.Gln518Ter; replaces glutamine 518 with a stop codon.
Molecular consequence: nonsense.
Genome position (GRCh38, 1-based): chr14:64,795,429, G>A on the plus strand (C>T on the coding strand, the complement: SPTB is on the minus strand). VCF-style: chr14-64795429-G-A. GRCh37 (hg19) VCF-style: chr14-65262147-G-A.
Other names: c.1552C>T, p.Gln518Ter (NM_001024858.4, NM_001355437.2); short protein forms Q518*.
Identifiers: ClinVar variation 4995311 (VCV004995311.1).
Genomic context (GRCh38, chr14:64,795,429, plus strand): 5'-GCATGTCCTGGAAGAGCTTCTGCAGTGCCAGGGTGGTCTCGAGCCTCTGGCGCCGGGACT[G>A]CAGCAGCTCCTGCAGGTAGCTCCATAGGCGCAGTATATTGTCCTTGCGGGCCGTGATGCG-3'